The following is an entry in ClinVar:

NM_003571.4(BFSP2):c.667C>G (p.Leu223Val)

Genes: BFSP2-AS1 (BFSP2 antisense RNA 1; minus strand), BFSP2 (beaded filament structural protein 2; plus strand). Cytogenetic location: 3q22.1.
Variant type: single nucleotide variant.
Coding change: c.667C>G on transcript NM_003571.4 (MANE Select); coding-DNA position 667, C replaced by G.
Protein change: p.Leu223Val; replaces leucine 223 with valine.
Molecular consequence: missense variant.
Genome position (GRCh38, 1-based): chr3:133,448,583, C>G. VCF-style: chr3-133448583-C-G. GRCh37 (hg19) VCF-style: chr3-133167427-C-G.
Other names: c.667C>G (NM_003571.3); short protein forms L223V.
Identifiers: ClinVar variation 903006 (VCV000903006.14), dbSNP rs199755934, ClinGen allele CA2623328.
Genomic context (GRCh38, chr3:133,448,583, plus strand): 5'-GAAGAGGAAATTAACTCTCTGTATAAAGTCATTGATGAGGCTAATTTGACTAAAATGGAC[C>G]TGGAGAGTCAAATAGAAAGTCTGAAAGAAGAACTTGGCTCTCTATCAAGAAACTATGAAG-3'
Protein context (NP_003562.1, residues 213-233): IDEANLTKMD[Leu223Val]ESQIESLKEE

ClinVar aggregate classification (germline): Benign/Likely benign. Review status: criteria provided, multiple submitters, no conflicts (2 of 4 stars). 3 submissions from 3 submitters: Benign (1); Likely benign (1). 1 of the submissions does not count toward it. Last evaluated 2025-09-02.

Conditions:
Cataract 12 multiple types. Identifiers: Orphanet 91492, MedGen C3808115, MONDO:0012701, OMIM 611597.
BFSP2-related disorder. Also called: BFSP2-related condition.

Allele frequency attached by ClinVar (database versions not stated): gnomAD exomes 0.00010 and 0.00048; gnomAD 0.00011; 1000 Genomes Project 30x 0.00016; 1000 Genomes Project 0.00020; ExAC 0.00034; TOPMed 0.00039.
gnomAD v4.1: 164 of 1,613,998 alleles (0.01%); highest among the groups gnomAD compares: Admixed American, 0.26%; 3 homozygotes.

Submissions (3):

Labcorp Genetics (formerly Invitae), Labcorp
Classification: Likely benign for Cataract 12 multiple types. Last evaluated: 2025-09-02. Review status: criteria provided, single submitter. Criteria: Invitae Variant Classification Sherloc (09022015). Collection method: clinical testing. Allele origin: germline.

Illumina Laboratory Services, Illumina
Classification: Benign for Cataract 12 multiple types. Last evaluated: 2018-01-13. Review status: criteria provided, single submitter. Criteria: ICSL Variant Classification Criteria 13 December 2019. Collection method: clinical testing. Allele origin: germline.
Comment: This variant was observed in the ICSL laboratory as part of a predisposition screen in an ostensibly healthy population. It had not been previously curated by ICSL or reported in the Human Gene Mutation Database (HGMD: prior to June 1st, 2018), and was therefore a candidate for classification through an automated scoring system. Utilizing variant allele frequency, disease prevalence and penetrance estimates, and inheritance mode, an automated score was calculated to assess if this variant is too frequent to cause the disease. Based on the score and internal cut-off values, a variant classified as benign is not then subjected to further curation. The score for this variant resulted in a classification of benign for this disease.

PreventionGenetics, part of Exact Sciences
Classification: Likely benign for BFSP2-related condition. Last evaluated: 2023-08-25. Review status: no assertion criteria provided. Collection method: clinical testing. Allele origin: germline. Not counted in ClinVar's aggregate classification.
Comment: This variant is classified as likely benign based on ACMG/AMP sequence variant interpretation guidelines (Richards et al. 2015 PMID: 25741868, with internal and published modifications).